The following is an entry in ClinVar:

ClinVar aggregate classification (germline): Uncertain significance (1 of 4 stars; one submission).

Allele frequency attached by ClinVar (database versions not stated): gnomAD exomes below 0.00001; gnomAD 0.00001.
gnomAD v4.1: 2 of 1,614,100 alleles (0.00012%); highest among the groups gnomAD compares: Non-Finnish European, 0.000085%; no homozygotes.

Submission:

Labcorp Genetics (formerly Invitae), Labcorp
Classification: Uncertain significance. Last evaluated: 2022-07-05. Review status: criteria provided, single submitter. Criteria: Invitae Variant Classification Sherloc (09022015). Collection method: clinical testing. Allele origin: germline.
Comment: This sequence change replaces glutamine, which is neutral and polar, with histidine, which is basic and polar, at codon 1096 of the TRPM1 protein (p.Gln1096His). This variant is present in population databases (no rsID available, gnomAD 0.0009%). In summary, the available evidence is currently insufficient to determine the role of this variant in disease. Therefore, it has been classified as a Variant of Uncertain Significance. Algorithms developed to predict the effect of missense changes on protein structure and function are either unavailable or do not agree on the potential impact of this missense change (SIFT: "Deleterious"; PolyPhen-2: "Probably Damaging"; Align-GVGD: "Class C0"). ClinVar contains an entry for this variant (Variation ID: 1380005). This variant has not been reported in the literature in individuals affected with TRPM1-related conditions.

NM_001252024.2(TRPM1):c.3354G>C (p.Gln1118His)

Genes: TRPM1 (transient receptor potential cation channel subfamily M member 1; minus strand), TRPM1-AS1 (TRPM1 antisense RNA 1; plus strand), LOC126862088 (BRD4-independent group 4 enhancer GRCh37_chr15:31318084-31319283; plus strand). Cytogenetic location: 15q13.3.
Variant type: single nucleotide variant.
Coding change: c.3354G>C on transcript NM_001252024.2 (MANE Select); coding-DNA position 3354, G replaced by C.
Protein change: p.Gln1118His; replaces glutamine 1118 with histidine.
Molecular consequence: missense variant.
Genome position (GRCh38, 1-based): chr15:31,027,057, C>G on the plus strand (G>C on the coding strand, the complement: TRPM1 is on the minus strand). VCF-style: chr15-31027057-C-G. GRCh37 (hg19) VCF-style: chr15-31319260-C-G.
Other names: c.3405G>C, p.Gln1135His (NM_001252020.2); c.3288G>C, p.Gln1096His (NM_002420.6); short protein forms Q1118H, Q1135H, Q1096H.
Identifiers: ClinVar variation 1380005 (VCV001380005.6), dbSNP rs1049961072, ClinGen allele CA267514198.